The following is an entry in ClinVar:

ClinVar aggregate classification (germline): Pathogenic (1 of 4 stars; one submission).

Submission:

Labcorp Genetics (formerly Invitae), Labcorp
Classification: Pathogenic. Last evaluated: 2021-08-29. Review status: criteria provided, single submitter. Criteria: Invitae Variant Classification Sherloc (09022015). Collection method: clinical testing. Allele origin: germline.
Comment: This variant is not present in population databases (ExAC no frequency). For these reasons, this variant has been classified as Pathogenic. This variant has not been reported in the literature in individuals affected with TSFM-related conditions. This sequence change creates a premature translational stop signal (p.Leu132*) in the TSFM gene. It is expected to result in an absent or disrupted protein product. Loss-of-function variants in TSFM are known to be pathogenic (PMID: 17033963, 20435138, 25037205, 27677415).

Literature cited by the submitters: PubMed 17033963; PubMed 20435138; PubMed 25037205; PubMed 27677415.

NM_005726.6(TSFM):c.395T>A (p.Leu132Ter)

Gene: TSFM (Ts translation elongation factor, mitochondrial; plus strand). Cytogenetic location: 12q14.1.
Variant type: single nucleotide variant.
Coding change: c.395T>A on transcript NM_005726.6 (MANE Select); coding-DNA position 395, T replaced by A.
Protein change: p.Leu132Ter; replaces leucine 132 with a stop codon.
Molecular consequence: nonsense.
Genome position (GRCh38, 1-based): chr12:57,787,074, T>A. VCF-style: chr12-57787074-T-A. GRCh37 (hg19) VCF-style: chr12-58180857-T-A.
Other names: c.395T>A, p.Leu132Ter (NM_001172695.2, NM_001172696.2, NM_001172697.2); short protein forms L132*.
Identifiers: ClinVar variation 1419710 (VCV001419710.6), dbSNP rs1215363137, ClinGen allele CA385526850.